The following is an entry in ClinVar:

NM_182914.3(SYNE2):c.7946T>G (p.Leu2649Arg)

Gene: SYNE2 (spectrin repeat containing nuclear envelope protein 2; plus strand). Cytogenetic location: 14q23.2.
Variant type: single nucleotide variant.
Coding change: c.7946T>G on transcript NM_182914.3 (MANE Select); coding-DNA position 7946, T replaced by G.
Protein change: p.Leu2649Arg; replaces leucine 2649 with arginine.
Molecular consequence: missense variant.
Genome position (GRCh38, 1-based): chr14:64,051,859, T>G. VCF-style: chr14-64051859-T-G. GRCh37 (hg19) VCF-style: chr14-64518577-T-G.
Other names: c.7946T>G, p.Leu2649Arg (NM_015180.6); short protein forms L2649R.
Identifiers: ClinVar variation 2636536 (VCV002636536.1), dbSNP rs2548317692, ClinGen allele CA389962100.

ClinVar aggregate classification (germline): Uncertain significance (1 of 4 stars; one submission).

Conditions:
SYNE2-related disorder. Also called: SYNE2-related condition.

gnomAD v4.1: 10 of 1,614,060 alleles (0.00062%); highest among the groups gnomAD compares: South Asian, 0.0066%; no homozygotes.

Submission:

PreventionGenetics, part of Exact Sciences
Classification: Uncertain significance for SYNE2-related condition. Last evaluated: 2022-09-08. Review status: criteria provided, single submitter. Criteria: ACMG Guidelines, 2015. Collection method: clinical testing. Allele origin: germline.
Comment: The SYNE2 c.7946T>G variant is predicted to result in the amino acid substitution p.Leu2649Arg. To our knowledge, this variant has not been reported in the literature or in a large population database, indicating this variant is rare. At this time, the clinical significance of this variant is uncertain due to the absence of conclusive functional and genetic evidence.